The following is an entry in ClinVar:

NM_007294.4(BRCA1):c.5090G>T (p.Cys1697Phe)

Gene: BRCA1 (BRCA1 DNA repair associated; minus strand). Cytogenetic location: 17q21.31.
Variant type: single nucleotide variant.
Coding change: c.5090G>T on transcript NM_007294.4 (MANE Select); coding-DNA position 5090, G replaced by T.
Protein change: p.Cys1697Phe; replaces cysteine 1697 with phenylalanine.
Molecular consequence: missense variant. On other transcripts: non-coding transcript variant (1).
Genome position (GRCh38, 1-based): chr17:43,063,936, C>A on the plus strand (G>T on the coding strand, the complement: BRCA1 is on the minus strand). VCF-style: chr17-43063936-C-A. GRCh37 (hg19) VCF-style: chr17-41215953-C-A.
Other names: c.4877G>T, p.Cys1626Phe (NM_001407571.1, NM_001407899.1, NM_001407900.1 and 12 more transcripts); c.5156G>T, p.Cys1719Phe (NM_001407581.1, NM_001407582.1); c.5153G>T, p.Cys1718Phe (NM_001407583.1, NM_001407585.1, NM_001407587.1 and 1 more transcripts); c.5150G>T, p.Cys1717Phe (NM_001407590.1, NM_001407591.1); c.5090G>T, p.Cys1697Phe (NM_001407593.1, NM_001407594.1, NM_001407596.1 and 7 more transcripts); c.5087G>T, p.Cys1696Phe (NM_001407610.1, NM_001407611.1, NM_001407612.1 and 17 more transcripts); c.5084G>T, p.Cys1695Phe (NM_001407627.1, NM_001407628.1, NM_001407629.1 and 14 more transcripts); c.5078G>T, p.Cys1693Phe (NM_001407646.1); and 71 more; short protein forms C593F, C1697F, C1650F, C1718F, C1569F, C1570F, C1607F, C1608F.
Identifiers: ClinVar variation 867631 (VCV000867631.9), dbSNP rs397507241, ClinGen allele CA10591345.

ClinVar aggregate classification (germline): Likely pathogenic (1 of 4 stars; one submission).

Conditions:
Hereditary breast ovarian cancer syndrome. Also called: Hereditary breast and ovarian cancer; Hereditary breast and ovarian cancer syndrome (HBOC); Breast and ovarian cancer; Hereditary breast and/or ovarian cancer syndrome; BRCA1- and BRCA2-Associated Hereditary Breast and Ovarian Cancer; Hereditary breast and ovarian cancer syndrome. Identifiers: Orphanet 145, MedGen C0677776, MeSH D061325, MONDO:0003582. Disease mechanism: loss of function.

Submissions (2):

Labcorp Genetics (formerly Invitae), Labcorp
Classification: Likely pathogenic for Hereditary breast ovarian cancer syndrome. Last evaluated: 2021-10-12. Review status: criteria provided, single submitter. Criteria: Invitae Variant Classification Sherloc (09022015). Collection method: clinical testing. Allele origin: germline.
Comment: This sequence change replaces cysteine with phenylalanine at codon 1697 of the BRCA1 protein (p.Cys1697Phe). The cysteine residue is highly conserved and there is a large physicochemical difference between cysteine and phenylalanine. This variant is not present in population databases (ExAC no frequency). This variant has not been reported in the literature in individuals affected with BRCA1-related conditions. ClinVar contains an entry for this variant (Variation ID: 867631). Advanced modeling of experimental studies (such as gene expression, population dynamics, functional pathways, and cell-cycle effects in cell culture) performed at Invitae indicates that this missense variant is expected to disrupt BRCA1 protein function. Experimental studies have shown that this missense change affects BRCA1 function (PMID: 28781887, 30209399). This variant disrupts the p.Cys1697 amino acid residue in BRCA1. Other variant(s) that disrupt this residue have been determined to be pathogenic (PMID: 11157798, 11389159, 24729269, 28781887, 30209399). This suggests that this residue is clinically significant, and that variants that disrupt this residue are likely to be disease-causing. In summary, the currently available evidence indicates that the variant is pathogenic, but additional data are needed to prove that conclusively. Therefore, this variant has been classified as Likely Pathogenic.

Brotman Baty Institute, University of Washington
No classification provided (evidence only). Condition: Breast-ovarian cancer, familial 1. Review status: no classification provided. Collection method: in vitro. Allele origin: not applicable. Functional consequence: functionally_abnormal. Not counted in ClinVar's aggregate classification.
ClinVar note: "not provided" was previously submitted as the classification for the variant. However, the classification appeared to be based only on an observation of functional data so it was converted to no classification on 2025-07-30.

Literature cited by the submitters: PubMed 28781887 (cited by Labcorp Genetics (formerly Invitae), Labcorp); PubMed 30209399 (cited by Labcorp Genetics (formerly Invitae), Labcorp); PubMed 11157798 (cited by Labcorp Genetics (formerly Invitae), Labcorp); PubMed 11389159 (cited by Labcorp Genetics (formerly Invitae), Labcorp); PubMed 24729269 (cited by Labcorp Genetics (formerly Invitae), Labcorp).